The following is an entry in ClinVar:

NM_015047.3(EMC1):c.221-1G>T

Gene: EMC1 (ER membrane protein complex subunit 1; minus strand). Cytogenetic location: 1p36.13.
Variant type: single nucleotide variant.
Coding change: c.221-1G>T on transcript NM_015047.3 (MANE Select); the canonical splice acceptor site of the intron before coding-DNA position 221, G replaced by T.
Molecular consequence: splice acceptor variant. On other transcripts: intron variant (1).
Genome position (GRCh38, 1-based): chr1:19,244,016, C>A on the plus strand (G>T on the coding strand, the complement: EMC1 is on the minus strand). VCF-style: chr1-19244016-C-A. GRCh37 (hg19) VCF-style: chr1-19570510-C-A.
Other names: c.221-309G>T (NM_001271429.2); c.221-1G>T (NM_001271427.2, NM_001375821.1, NM_001271428.2 and 1 more transcripts).
Identifiers: ClinVar variation 2418640 (VCV002418640.7), dbSNP rs1261194928, ClinGen allele CA338773402.

ClinVar aggregate classification (germline): Likely pathogenic (1 of 4 stars; one submission).

Allele frequency attached by ClinVar (database versions not stated): TOPMed 0.00001.
gnomAD v4.1: 2 of 1,613,946 alleles (0.00012%); highest among the groups gnomAD compares: Non-Finnish European, 0.00017%; no homozygotes.

Submission:

Labcorp Genetics (formerly Invitae), Labcorp
Classification: Likely pathogenic. Last evaluated: 2022-03-13. Review status: criteria provided, single submitter. Criteria: Invitae Variant Classification Sherloc (09022015). Collection method: clinical testing. Allele origin: germline.
Comment: This variant has not been reported in the literature in individuals affected with EMC1-related conditions. This sequence change affects an acceptor splice site in intron 2 of the EMC1 gene. It is expected to disrupt RNA splicing. Variants that disrupt the donor or acceptor splice site typically lead to a loss of protein function (PMID: 16199547), and loss-of-function variants in EMC1 are known to be pathogenic (PMID: 26572623, 26942288, 29271071). This variant is present in population databases (no rsID available, gnomAD 0.007%). Algorithms developed to predict the effect of sequence changes on RNA splicing suggest that this variant may disrupt the consensus splice site. In summary, the currently available evidence indicates that the variant is pathogenic, but additional data are needed to prove that conclusively. Therefore, this variant has been classified as Likely Pathogenic.

Literature cited by the submitters: PubMed 16199547; PubMed 26572623; PubMed 26942288; PubMed 29271071.